The following is an entry in ClinVar:

ClinVar aggregate classification (germline): Uncertain significance (1 of 4 stars; one submission).

Conditions:
Hereditary cancer-predisposing syndrome. Also called: Neoplastic Syndromes, Hereditary; Tumor predisposition; Hereditary Cancer Syndrome; Hereditary neoplastic syndrome. Identifiers: Orphanet 140162, MedGen C0027672, MeSH D009386, MONDO:0015356.

gnomAD v4.1: 1 of 1,614,180 alleles (0.000062%); highest among the groups gnomAD compares: Non-Finnish European, 0.000085%; no homozygotes.

Submission:

Ambry Genetics
Classification: Uncertain significance for Hereditary cancer-predisposing syndrome. Last evaluated: 2026-05-21. Review status: criteria provided, single submitter. Criteria: Ambry Variant Classification Scheme 2023. Collection method: clinical testing. Allele origin: germline.
Comment: The p.P373S variant (also known as c.1117C>T), located in coding exon 8 of the CDH1 gene, results from a C to T substitution at nucleotide position 1117. The proline at codon 373 is replaced by serine, an amino acid with similar properties. This amino acid position is highly conserved in available vertebrate species. In addition, this alteration is predicted to be deleterious by in silico analysis. Based on the available evidence, the clinical significance of this variant remains unclear.

NM_004360.5(CDH1):c.1117C>T (p.Pro373Ser)

Gene: CDH1 (cadherin 1; plus strand). Cytogenetic location: 16q22.1.
Variant type: single nucleotide variant.
Coding change: c.1117C>T on transcript NM_004360.5 (MANE Select); coding-DNA position 1117, C replaced by T.
Protein change: p.Pro373Ser; replaces proline 373 with serine.
Molecular consequence: missense variant. On other transcripts: 5 prime UTR variant (2).
Genome position (GRCh38, 1-based): chr16:68,812,243, C>T. VCF-style: chr16-68812243-C-T. GRCh37 (hg19) VCF-style: chr16-68846146-C-T.
Other names: c.1117C>T, p.Pro373Ser (NM_001317184.2); c.-499C>T (NM_001317185.2); c.-703C>T (NM_001317186.2); short protein forms P373S.
Identifiers: ClinVar variation 4868409 (VCV004868409.1).